The following is an entry in ClinVar:

NM_004655.4(AXIN2):c.2354G>A (p.Ser785Asn)

Gene: AXIN2 (axin 2; minus strand). Cytogenetic location: 17q24.1.
Variant type: single nucleotide variant.
Coding change: c.2354G>A on transcript NM_004655.4 (MANE Select); coding-DNA position 2354, G replaced by A.
Protein change: p.Ser785Asn; replaces serine 785 with asparagine.
Molecular consequence: missense variant.
Genome position (GRCh38, 1-based): chr17:65,533,963, C>T on the plus strand (G>A on the coding strand, the complement: AXIN2 is on the minus strand). VCF-style: chr17-65533963-C-T. GRCh37 (hg19) VCF-style: chr17-63530081-C-T.
Other names: c.2159G>A, p.Ser720Asn (NM_001363813.1); short protein forms S720N, S785N.
Identifiers: ClinVar variation 2163217 (VCV002163217.6), dbSNP rs2043865731, ClinGen allele CA400675432.

ClinVar aggregate classification (germline): Uncertain significance. Review status: criteria provided, multiple submitters, no conflicts (2 of 4 stars). 2 submissions from 2 submitters: Uncertain significance (2). Last evaluated 2023-10-24.

Conditions:
Hereditary cancer-predisposing syndrome. Also called: Hereditary Cancer Syndrome; Neoplastic Syndromes, Hereditary; Tumor predisposition; Hereditary neoplastic syndrome. Identifiers: Orphanet 140162, MedGen C0027672, MeSH D009386, MONDO:0015356.
Oligodontia-cancer predisposition syndrome. Also called: TOOTH AGENESIS-COLORECTAL CANCER SYNDROME. Identifiers: Orphanet 300576, MedGen C1837750, MONDO:0012075, OMIM 608615. Disease mechanism: loss of function.

gnomAD v4.1: 1 of 1,614,196 alleles (0.000062%); highest among the groups gnomAD compares: Non-Finnish European, 0.000085%; no homozygotes.

Submissions (2):

Labcorp Genetics (formerly Invitae), Labcorp
Classification: Uncertain significance for Oligodontia-cancer predisposition syndrome. Last evaluated: 2023-10-24. Review status: criteria provided, single submitter. Criteria: Invitae Variant Classification Sherloc (09022015). Collection method: clinical testing. Allele origin: germline.
Comment: This sequence change replaces serine, which is neutral and polar, with asparagine, which is neutral and polar, at codon 785 of the AXIN2 protein (p.Ser785Asn). This variant is not present in population databases (gnomAD no frequency). This variant has not been reported in the literature in individuals affected with AXIN2-related conditions. ClinVar contains an entry for this variant (Variation ID: 2163217). Advanced modeling of protein sequence and biophysical properties (such as structural, functional, and spatial information, amino acid conservation, physicochemical variation, residue mobility, and thermodynamic stability) performed at Invitae indicates that this missense variant is not expected to disrupt AXIN2 protein function with a negative predictive value of 80%. In summary, the available evidence is currently insufficient to determine the role of this variant in disease. Therefore, it has been classified as a Variant of Uncertain Significance.

Ambry Genetics
Classification: Uncertain significance for Hereditary cancer-predisposing syndrome. Last evaluated: 2023-03-30. Review status: criteria provided, single submitter. Criteria: Ambry Variant Classification Scheme 2023. Collection method: clinical testing. Allele origin: germline.
Comment: The p.S785N variant (also known as c.2354G>A), located in coding exon 9 of the AXIN2 gene, results from a G to A substitution at nucleotide position 2354. The serine at codon 785 is replaced by asparagine, an amino acid with highly similar properties. This amino acid position is conserved. In addition, this alteration is predicted to be tolerated by in silico analysis. Since supporting evidence is limited at this time, the clinical significance of this alteration remains unclear.